The following is an entry in ClinVar:

NM_004656.4(BAP1):c.1517C>A (p.Pro506Gln)

Gene: BAP1 (BRCA1 associated deubiquitinase 1; minus strand). Cytogenetic location: 3p21.1.
Variant type: single nucleotide variant.
Coding change: c.1517C>A on transcript NM_004656.4 (MANE Select); coding-DNA position 1517, C replaced by A.
Protein change: p.Pro506Gln; replaces proline 506 with glutamine.
Molecular consequence: missense variant.
Genome position (GRCh38, 1-based): chr3:52,403,628, G>T on the plus strand (C>A on the coding strand, the complement: BAP1 is on the minus strand). VCF-style: chr3-52403628-G-T. GRCh37 (hg19) VCF-style: chr3-52437644-G-T.
Other names: c.1463C>A, p.Pro488Gln (NM_001410772.1); short protein forms P488Q, P506Q.
Identifiers: ClinVar variation 4194623 (VCV004194623.1).
Genomic context (GRCh38, chr3:52,403,628, plus strand): 5'-TGGGAGGTGACAGGGCTGGAGGGCCGCGTCGGGTTGGCTGAGCGGATAGGCGAGCGCAGT[G>T]GCGAGTTGAAAGCACTGCCGATCTCAGAGGCCGTGTCTGTACTCTCATTGCTGGGGGTGG-3'
Protein context (NP_004647.1, residues 496-516): ASEIGSAFNS[Pro506Gln]LRSPIRSANP

ClinVar aggregate classification (germline): Uncertain significance (1 of 4 stars; one submission).

Conditions:
Hereditary cancer-predisposing syndrome. Also called: Neoplastic Syndromes, Hereditary; Tumor predisposition; Hereditary Cancer Syndrome; Hereditary neoplastic syndrome. Identifiers: Orphanet 140162, MedGen C0027672, MeSH D009386, MONDO:0015356.

Submission:

Ambry Genetics
Classification: Uncertain significance for Hereditary cancer-predisposing syndrome. Last evaluated: 2025-07-28. Review status: criteria provided, single submitter. Criteria: Ambry Variant Classification Scheme 2023. Collection method: clinical testing. Allele origin: germline.
Comment: The p.P506Q variant (also known as c.1517C>A), located in coding exon 13 of the BAP1 gene, results from a C to A substitution at nucleotide position 1517. The proline at codon 506 is replaced by glutamine, an amino acid with similar properties. This amino acid position is conserved. In addition, this alteration is predicted to be deleterious by in silico analysis. Based on the available evidence, the clinical significance of this variant remains unclear.